The following is an entry in ClinVar:

ClinVar aggregate classification (germline): Uncertain significance (1 of 4 stars; one submission).

Conditions:
Warburg micro syndrome 2 (WARBM2). Also called: MICRO SYNDROME 2. Identifiers: Orphanet 2510, MedGen C3280214, MONDO:0013641, OMIM 614225.
Martsolf syndrome (MARTS). Also called: Congenital cataract with intellectual disability and hypogonadotropic hypogonadism syndrome. Identifiers: Orphanet 1387, MedGen C0796037, MONDO:0023910.

gnomAD v4.1: 22 of 1,613,898 alleles (0.0014%); highest among the groups gnomAD compares: South Asian, 0.021%; no homozygotes.

Submission:

Labcorp Genetics (formerly Invitae), Labcorp
Classification: Uncertain significance for Martsolf syndrome; Warburg micro syndrome 2. Last evaluated: 2025-02-06. Review status: criteria provided, single submitter. Criteria: Invitae Variant Classification Sherloc (09022015). Collection method: clinical testing. Allele origin: germline.
Comment: This sequence change replaces isoleucine, which is neutral and non-polar, with methionine, which is neutral and non-polar, at codon 246 of the RAB3GAP2 protein (p.Ile246Met). This variant is present in population databases (rs374847251, gnomAD 0.03%). This variant has not been reported in the literature in individuals affected with RAB3GAP2-related conditions. Invitae Evidence Modeling of protein sequence and biophysical properties (such as structural, functional, and spatial information, amino acid conservation, physicochemical variation, residue mobility, and thermodynamic stability) indicates that this missense variant is not expected to disrupt RAB3GAP2 protein function with a negative predictive value of 80%. In summary, the available evidence is currently insufficient to determine the role of this variant in disease. Therefore, it has been classified as a Variant of Uncertain Significance.

NM_012414.4(RAB3GAP2):c.738A>G (p.Ile246Met)

Gene: RAB3GAP2 (RAB3 GTPase activating non-catalytic protein subunit 2; minus strand). Cytogenetic location: 1q41.
Variant type: single nucleotide variant.
Coding change: c.738A>G on transcript NM_012414.4 (MANE Select); coding-DNA position 738, A replaced by G.
Protein change: p.Ile246Met; replaces isoleucine 246 with methionine.
Molecular consequence: missense variant.
Genome position (GRCh38, 1-based): chr1:220,202,349, T>C on the plus strand (A>G on the coding strand, the complement: RAB3GAP2 is on the minus strand). VCF-style: chr1-220202349-T-C. GRCh37 (hg19) VCF-style: chr1-220375691-T-C.
Other names: short protein forms I246M.
Identifiers: ClinVar variation 3760848 (VCV003760848.2).